The following is an entry in ClinVar:

NM_020461.4(TUBGCP6):c.1579A>G (p.Thr527Ala)

Gene: TUBGCP6 (tubulin gamma complex component 6; minus strand). Cytogenetic location: 22q13.33.
Variant type: single nucleotide variant.
Coding change: c.1579A>G on transcript NM_020461.4 (MANE Select); coding-DNA position 1579, A replaced by G.
Protein change: p.Thr527Ala; replaces threonine 527 with alanine.
Molecular consequence: missense variant.
Genome position (GRCh38, 1-based): chr22:50,226,755, T>C on the plus strand (A>G on the coding strand, the complement: TUBGCP6 is on the minus strand). VCF-style: chr22-50226755-T-C. GRCh37 (hg19) VCF-style: chr22-50665184-T-C.
Other names: short protein forms T527A.
Identifiers: ClinVar variation 1522567 (VCV001522567.8), dbSNP rs1032848140, ClinGen allele CA325466610.

ClinVar aggregate classification (germline): Uncertain significance (1 of 4 stars; one submission).

Allele frequency attached by ClinVar (database versions not stated): TOPMed 0.00003; gnomAD 0.00004 and 0.00003; gnomAD exomes 0.00004 and 0.00002.

Submission:

Labcorp Genetics (formerly Invitae), Labcorp
Classification: Uncertain significance. Last evaluated: 2021-05-27. Review status: criteria provided, single submitter. Criteria: Invitae Variant Classification Sherloc (09022015). Collection method: clinical testing. Allele origin: germline.
Comment: This sequence change replaces threonine with alanine at codon 527 of the TUBGCP6 protein (p.Thr527Ala). The threonine residue is moderately conserved and there is a small physicochemical difference between threonine and alanine. In summary, the available evidence is currently insufficient to determine the role of this variant in disease. Therefore, it has been classified as a Variant of Uncertain Significance. Algorithms developed to predict the effect of missense changes on protein structure and function output the following: SIFT: "Tolerated"; PolyPhen-2: "Possibly Damaging"; Align-GVGD: "Class C0". The alanine amino acid residue is found in multiple mammalian species, suggesting that this missense change does not adversely affect protein function. These predictions have not been confirmed by published functional studies and their clinical significance is uncertain. This variant has not been reported in the literature in individuals with TUBGCP6-related conditions. This variant is not present in population databases (ExAC no frequency).